The following is an entry in ClinVar:

ClinVar aggregate classification (germline): Pathogenic/Likely pathogenic. Review status: criteria provided, multiple submitters, no conflicts (2 of 4 stars). 2 submissions from 2 submitters: Pathogenic (1); Likely pathogenic (1). Last evaluated 2026-01-05.

Conditions:
Isolated thoracic aortic aneurysm.
Marfan syndrome (MFS). Also called: FBN1-Related Marfan Syndrome; MARFAN SYNDROME, TYPE I; Marfan syndrome type 1; Marfan's syndrome; Marfan syndrome, classic. Identifiers: Orphanet 284963, Orphanet 558, MedGen C0024796, MONDO:0007947, OMIM 154700.
Familial thoracic aortic aneurysm and aortic dissection (TAAD). Also called: Thoracic aortic aneurysms and dissections. Identifiers: Orphanet 91387, MedGen C4707243, MONDO:0019625.

Submissions (2):

Labcorp Genetics (formerly Invitae), Labcorp
Classification: Pathogenic for Marfan syndrome; Familial thoracic aortic aneurysm and aortic dissection. Last evaluated: 2026-01-05. Review status: criteria provided, single submitter. Criteria: Invitae Variant Classification Sherloc (09022015). Collection method: clinical testing. Allele origin: germline.
Comment: This sequence change creates a premature translational stop signal (p.Gln1854*) in the FBN1 gene. It is expected to result in an absent or disrupted protein product. Loss-of-function variants in FBN1 are known to be pathogenic (PMID: 17657824, 19293843). This variant is not present in population databases (gnomAD no frequency). This premature translational stop signal has been observed in individual(s) with FBN1-related conditions (PMID: 19293843, 33824467). ClinVar contains an entry for this variant (Variation ID: 982361). For these reasons, this variant has been classified as Pathogenic.

Department of Vascular Biology, Beijing Anzhen Hospital
Classification: Likely pathogenic for Isolated thoracic aortic aneurysm. Last evaluated: 2018-09-01. Review status: criteria provided, single submitter. Criteria: ACMG Guidelines, 2015. Collection method: research. Allele origin: germline. Affected: yes.

Literature cited by the submitters: PubMed 17657824 (cited by Labcorp Genetics (formerly Invitae), Labcorp); PubMed 19293843 (cited by Labcorp Genetics (formerly Invitae), Labcorp); PubMed 33824467 (cited by Labcorp Genetics (formerly Invitae), Labcorp).

NM_000138.5(FBN1):c.5560C>T (p.Gln1854Ter)

Gene: FBN1 (fibrillin 1; minus strand). Cytogenetic location: 15q21.1.
Variant type: single nucleotide variant.
Coding change: c.5560C>T on transcript NM_000138.5 (MANE Select); coding-DNA position 5560, C replaced by T.
Protein change: p.Gln1854Ter; replaces glutamine 1854 with a stop codon.
Molecular consequence: nonsense.
Genome position (GRCh38, 1-based): chr15:48,448,879, G>A on the plus strand (C>T on the coding strand, the complement: FBN1 is on the minus strand). VCF-style: chr15-48448879-G-A. GRCh37 (hg19) VCF-style: chr15-48741076-G-A.
Other names: short protein forms Q1854*.
Identifiers: ClinVar variation 982361 (VCV000982361.5), dbSNP rs2141252259, ClinGen allele CA392342502.